The following is an entry in ClinVar:

ClinVar aggregate classification (germline): Likely benign (1 of 4 stars; one submission).

Allele frequency attached by ClinVar (database versions not stated): gnomAD 0.00009; ExAC 0.00091.

Submission:

CeGaT Center for Human Genetics Tuebingen
Classification: Likely benign. Last evaluated: 2023-07-01. Review status: criteria provided, single submitter. Criteria: CeGaT Center For Human Genetics Tuebingen Variant Classification Criteria Version 2. Collection method: clinical testing. Allele origin: germline. Affected: yes. Observed: 1 variant allele.
Comment: DSPP: BP4, BP7

NM_014208.3(DSPP):c.3453C>T (p.Ser1151=)

Genes: DMP1-AS1 (DMP1 and DSPP antisense RNA 1; minus strand), DSPP (dentin sialophosphoprotein; plus strand). Cytogenetic location: 4q22.1.
Variant type: single nucleotide variant.
Coding change: c.3453C>T on transcript NM_014208.3 (MANE Select); coding-DNA position 3453, C replaced by T.
Protein change: p.Ser1151=; no amino-acid change (serine 1151 retained).
Molecular consequence: synonymous variant.
Genome position (GRCh38, 1-based): chr4:87,616,115, C>T. VCF-style: chr4-87616115-C-T. GRCh37 (hg19) VCF-style: chr4-88537267-C-T.
Identifiers: ClinVar variation 2654919 (VCV002654919.24), dbSNP rs769550660, ClinGen allele CA3001712.
Genomic context (GRCh38, chr4:87,616,115, plus strand): 5'-CAGCAGTGATAGCAGTGACAGCAGCAACAGCAGTGACAGCAGTGACAGCAGTGAAAGCAG[C>T]GACAGCAGTGACAGCAGCGACAGCAGTGACAGCAGCGATAGCAGCGACAGCAGCGACAGC-3'
Protein context (NP_055023.2, residues 1141-1161): SSDSSDSSES[Ser1151=]DSSDSSDSSD